The following is an entry in ClinVar:

NM_004006.3(DMD):c.4233+2C>T

Gene: DMD (dystrophin; minus strand). Cytogenetic location: Xp21.1.
Variant type: single nucleotide variant.
Coding change: c.4233+2C>T on transcript NM_004006.3 (MANE Select); the canonical splice donor site of the intron after coding-DNA position 4233, C replaced by T.
Molecular consequence: splice donor variant.
Genome position (GRCh38, 1-based): chrX:32,411,750, G>A on the plus strand (C>T on the coding strand, the complement: DMD is on the minus strand). VCF-style: chrX-32411750-G-A. GRCh37 (hg19) VCF-style: chrX-32429867-G-A.
Other names: c.4209+2C>T (NM_000109.4); c.210+2C>T (NM_004011.4); c.201+2C>T (NM_004012.4); c.4221+2C>T (NM_004009.3); c.3864+2C>T (NM_004010.3).
Identifiers: ClinVar variation 94616 (VCV000094616.77), dbSNP rs147474070, ClinGen allele CA090924.

ClinVar aggregate classification (germline): Conflicting classifications of pathogenicity. Review status: criteria provided, conflicting classifications (1 of 4 stars). 19 submissions from 19 submitters: Uncertain significance (1); Benign (7); Likely benign (7). 4 of the submissions do not count toward it. Last evaluated 2026-01-28.

Conditions:
Dystrophin deficiency.
Duchenne muscular dystrophy (DMD). Also called: MUSCULAR DYSTROPHY, PSEUDOHYPERTROPHIC PROGRESSIVE, DUCHENNE TYPE; Duchenne Muscular Dystrophy (DMD). Identifiers: Orphanet 98896, MedGen C0013264, MONDO:0010679, OMIM 310200.
Cardiomyopathy (CMYO). Also called: Cardiomyopathies. Identifiers: Orphanet 167848, MedGen C0878544, MONDO:0004994, HP:0001638. Inheritance: Various modes of inheritance.
Becker muscular dystrophy (BMD). Also called: MUSCULAR DYSTROPHY, PSEUDOHYPERTROPHIC PROGRESSIVE, BECKER TYPE; Becker Muscular Dystrophy (BMD). Identifiers: Orphanet 98895, MedGen C0917713, MONDO:0010311, OMIM 300376.
Cardiovascular phenotype. Identifiers: MedGen CN230736.
DMD-related disorder. Also called: DMD-related condition.
Dilated cardiomyopathy 3B (CMD3B). Also called: CMD3B: DMD-Related Dilated Cardiomyopathy; CARDIOMYOPATHY, DILATED, X-LINKED; DMD-Associated Dilated Cardiomyopathy. Identifiers: Orphanet 154, MedGen C3668940, MONDO:0010542, OMIM 302045.

Allele frequency attached by ClinVar (database versions not stated): ESP Exome Variant Server 0.00028; ExAC 0.00052; 1000 Genomes Project 0.00053; TOPMed 0.00058; 1000 Genomes Project 30x 0.00062; gnomAD 0.00064 and 0.00066; gnomAD exomes 0.00065 and 0.00084.
gnomAD v4.1: 992 of 1,208,749 alleles (0.082%); highest among the groups gnomAD compares: Admixed American, 0.19%; 1 homozygote.

Submissions (19):

Labcorp Genetics (formerly Invitae), Labcorp
Classification: Benign for Duchenne muscular dystrophy. Last evaluated: 2026-01-28. Review status: criteria provided, single submitter. Criteria: Invitae Variant Classification Sherloc (09022015). Collection method: clinical testing. Allele origin: germline.

Molecular Diagnostic Laboratory for Inherited Cardiovascular Disease, Montreal Heart Institute
Classification: Likely benign. Last evaluated: 2025-07-24. Review status: criteria provided, single submitter. Criteria: ACMG Guidelines, 2015. Collection method: clinical testing. Allele origin: germline. Affected: no.
Comment: BS1, BP4

Mayo Clinic Laboratories, Mayo Clinic
Classification: Benign. Last evaluated: 2025-01-07. Review status: criteria provided, single submitter. Criteria: ACMG Guidelines, 2015. Collection method: clinical testing. Allele origin: germline. Observed: 2 variant alleles.
Comment: BS1, BS2

Blueprint Genetics
Classification: Likely benign. Last evaluated: 2024-11-15. Review status: criteria provided, single submitter. Criteria: ACMG Guidelines, 2015. Collection method: clinical testing. Allele origin: germline.

Women's Health and Genetics/Laboratory Corporation of America, LabCorp
Classification: Benign. Last evaluated: 2022-06-29. Review status: criteria provided, single submitter. Criteria: LabCorp Variant Classification Summary - May 2015. Collection method: clinical testing. Allele origin: germline.
Comment: Variant summary: DMD c.4233+2C>T is located in a canonical splice-site and is predicted by several computational tools to strengthen a canonical 5 donor site. However, these predictions have yet to be confirmed by functional studies. The variant allele was found at a frequency of 0.00065 in 182827 control chromosomes in the gnomAD database, including 1 homozygote and 43 hemizygotes. The observed variant frequency is approximately 59-fold of the estimated maximal expected allele frequency for a pathogenic variant in DMD causing Dystrophinopathies phenotype (1.1e-05), strongly suggesting that the variant is benign. c.4233+2C>T has been reported in the literature in individuals affected with dilated cardiomyopathy and vacuolar myopathy, without strong evidence for causality (e.g. Haas_2015, Bodian_2017, Mair_2020). In at least one of these reports the variant was also detected in an unaffected parent of the proband. These reports do not provide unequivocal conclusions about association of the variant with Dystrophinopathies. To our knowledge, no experimental evidence demonstrating an impact on protein function has been reported. Eleven ClinVar submitters (evaluation after 2014) cite the variant as benign/likely benign and one ClinVar submitter (evaluation after 2014) cites it as uncertain significance. Based on the evidence outlined above, the variant was classified as benign.

GeneDx
Classification: Benign. Last evaluated: 2020-03-05. Review status: criteria provided, single submitter. Criteria: GeneDx Variant Classification Process June 2021. Collection method: clinical testing. Allele origin: germline. Affected: yes.
Comment: This variant is associated with the following publications: (PMID: 17259292, 23871722, 26185613, 25163546, 28701297, 31216405)

ARUP Laboratories, Molecular Genetics and Genomics, ARUP Laboratories
Classification: Likely benign. Last evaluated: 2019-12-20. Review status: criteria provided, single submitter. Criteria: ARUP Molecular Germline Variant Investigation Process. Collection method: clinical testing. Allele origin: germline.

Mendelics
Classification: Likely benign for Duchenne muscular dystrophy. Last evaluated: 2019-05-28. Review status: criteria provided, single submitter. Criteria: Mendelics Assertion Criteria 2017. Collection method: clinical testing. Allele origin: unknown.

Center for Advanced Laboratory Medicine, UC San Diego Health, University of California San Diego
Classification: Benign for Cardiomyopathy. Last evaluated: 2018-11-28. Review status: criteria provided, single submitter. Criteria: ACMG Guidelines, 2015. Collection method: clinical testing. Allele origin: germline. Affected: yes. Observed: 2 variant alleles.

Ambry Genetics
Classification: Benign for Cardiovascular phenotype. Last evaluated: 2018-09-20. Review status: criteria provided, single submitter. Criteria: Ambry Variant Classification Scheme 2023. Collection method: clinical testing. Allele origin: germline.

CeGaT Center for Human Genetics Tuebingen
Classification: Likely benign. Last evaluated: 2018-04-01. Review status: criteria provided, single submitter. Criteria: CeGaT Center For Human Genetics Tuebingen Variant Classification Criteria Version 2. Collection method: clinical testing. Allele origin: germline. Affected: yes. Observed: 1 variant allele.

Baylor Genetics
Classification: Likely benign for Duchenne muscular dystrophy. Last evaluated: 2017-12-31. Review status: criteria provided, single submitter. Criteria: ACMG Guidelines, 2015. Collection method: clinical testing. Allele origin: germline. Affected: yes.

Illumina Laboratory Services, Illumina
Classification: Uncertain significance for Dilated cardiomyopathy 3B. Last evaluated: 2017-04-28. Review status: criteria provided, single submitter. Criteria: ICSL Variant Classification Criteria 13 December 2019. Collection method: clinical testing. Allele origin: germline.

Athena Diagnostics
Classification: Benign. Last evaluated: 2016-12-12. Review status: criteria provided, single submitter. Criteria: Athena Diagnostics Criteria. Collection method: clinical testing. Allele origin: germline.

Eurofins Ntd Llc (ga)
Classification: Likely benign. Last evaluated: 2015-05-28. Review status: criteria provided, single submitter. Criteria: EGL Classification Definitions 2015. Collection method: clinical testing. Allele origin: germline. Observed: 7 variant alleles, 6 heterozygotes, 1 hemizygote.

PreventionGenetics, part of Exact Sciences
Classification: Likely benign for DMD-related condition. Last evaluated: 2019-06-24. Review status: no assertion criteria provided. Collection method: clinical testing. Allele origin: germline. Not counted in ClinVar's aggregate classification.
Comment: This variant is classified as likely benign based on ACMG/AMP sequence variant interpretation guidelines (Richards et al. 2015 PMID: 25741868, with internal and published modifications).

Natera, Inc.
Classification: Likely benign for Becker muscular dystrophy; Cardiomyopathy; Duchenne muscular dystrophy; Dystrophin deficiency. Last evaluated: 2017-10-18. Review status: no assertion criteria provided. Collection method: clinical testing. Allele origin: germline. Not counted in ClinVar's aggregate classification.

Clinical Genetics DNA and cytogenetics Diagnostics Lab, Erasmus MC, Erasmus Medical Center
Classification: Likely benign. Review status: no assertion criteria provided. Collection method: clinical testing. Allele origin: germline. Affected: yes. Study: VKGL Data-share Consensus. Not counted in ClinVar's aggregate classification.

Diagnostic Laboratory, Department of Genetics, University Medical Center Groningen
Classification: Likely benign. Review status: no assertion criteria provided. Collection method: clinical testing. Allele origin: germline. Affected: yes. Study: VKGL Data-share Consensus. Not counted in ClinVar's aggregate classification.

Literature cited by the submitters: PubMed 25163546 (cited by Women's Health and Genetics/Laboratory Corporation of America, LabCorp); PubMed 31216405 (cited by Women's Health and Genetics/Laboratory Corporation of America, LabCorp); PubMed 32419263 (cited by Women's Health and Genetics/Laboratory Corporation of America, LabCorp); PubMed 28701297 (cited by Women's Health and Genetics/Laboratory Corporation of America, LabCorp and Ambry Genetics).